The following is an entry in ClinVar:

NM_002485.5(NBN):c.2122C>A (p.Leu708Ile)

Gene: NBN (nibrin; minus strand). Cytogenetic location: 8q21.3.
Variant type: single nucleotide variant.
Coding change: c.2122C>A on transcript NM_002485.5 (MANE Select); coding-DNA position 2122, C replaced by A.
Protein change: p.Leu708Ile; replaces leucine 708 with isoleucine.
Molecular consequence: missense variant.
Genome position (GRCh38, 1-based): chr8:89,943,315, G>T on the plus strand (C>A on the coding strand, the complement: NBN is on the minus strand). VCF-style: chr8-89943315-G-T. GRCh37 (hg19) VCF-style: chr8-90955543-G-T.
Other names: c.1876C>A, p.Leu626Ile (NM_001024688.3); short protein forms L626I, L708I.
Identifiers: ClinVar variation 3645311 (VCV003645311.2).
Genomic context (GRCh38, chr8:89,943,315, plus strand): 5'-CCATTTCCTGCCTTAGCCACTCTTCTAGTTCTGTATTCTTTCGAGCATGATGAGCTATTA[G>T]ATCTGATCCTCCAATGATGTGTGGAAGTTTTCCTGCTCCAGGATATGTGACCTATTGAAT-3'
Protein context (NP_002476.2, residues 698-718): KLPHIIGGSD[Leu708Ile]IAHHARKNTE

ClinVar aggregate classification (germline): Uncertain significance (1 of 4 stars; one submission).

Conditions:
Microcephaly, normal intelligence and immunodeficiency (NBS). Also called: IMMUNODEFICIENCY, MICROCEPHALY, AND CHROMOSOMAL INSTABILITY; SEEMANOVA SYNDROME II; Nijmegen breakage syndrome; Microcephaly with normal intelligence immunodeficiency and lymphoreticular malignancies; Nonsyndromal microcephaly autosomal recessive with normal intelligence; Seemanova syndrome 2. Identifiers: Orphanet 647, MedGen C0398791, MONDO:0009623, OMIM 251260.

Submission:

Labcorp Genetics (formerly Invitae), Labcorp
Classification: Uncertain significance for Microcephaly, normal intelligence and immunodeficiency. Last evaluated: 2024-10-23. Review status: criteria provided, single submitter. Criteria: Invitae Variant Classification Sherloc (09022015). Collection method: clinical testing. Allele origin: germline.
Comment: This sequence change replaces leucine, which is neutral and non-polar, with isoleucine, which is neutral and non-polar, at codon 708 of the NBN protein (p.Leu708Ile). This variant is not present in population databases (gnomAD no frequency). This variant has not been reported in the literature in individuals affected with NBN-related conditions. An algorithm developed to predict the effect of missense changes on protein structure and function (PolyPhen-2) suggests that this variant is likely to be disruptive. In summary, the available evidence is currently insufficient to determine the role of this variant in disease. Therefore, it has been classified as a Variant of Uncertain Significance.